The following is an entry in ClinVar:

ClinVar aggregate classification (germline): Uncertain significance (1 of 4 stars; one submission).

Conditions:
Charcot-Marie-Tooth disease axonal type 2O. Also called: CHARCOT-MARIE-TOOTH NEUROPATHY, AXONAL, TYPE 2O; CHARCOT-MARIE-TOOTH DISEASE, AXONAL, AUTOSOMAL DOMINANT, TYPE 2O; Charcot-Marie-Tooth Neuropathy Type 2O; Charcot-Marie-Tooth disease, axonal, type 20. Identifiers: Orphanet 284232, MedGen C3280220, MONDO:0013644, OMIM 614228.

Submission:

Labcorp Genetics (formerly Invitae), Labcorp
Classification: Uncertain significance for Charcot-Marie-Tooth disease axonal type 2O. Last evaluated: 2023-05-23. Review status: criteria provided, single submitter. Criteria: Invitae Variant Classification Sherloc (09022015). Collection method: clinical testing. Allele origin: germline.
Comment: This variant is not present in population databases (gnomAD no frequency). This sequence change replaces aspartic acid, which is acidic and polar, with asparagine, which is neutral and polar, at codon 1933 of the DYNC1H1 protein (p.Asp1933Asn). This variant has not been reported in the literature in individuals affected with DYNC1H1-related conditions. In summary, the available evidence is currently insufficient to determine the role of this variant in disease. Therefore, it has been classified as a Variant of Uncertain Significance. Advanced modeling of protein sequence and biophysical properties (such as structural, functional, and spatial information, amino acid conservation, physicochemical variation, residue mobility, and thermodynamic stability) performed at Invitae indicates that this missense variant is expected to disrupt DYNC1H1 protein function.

NM_001376.5(DYNC1H1):c.5797G>A (p.Asp1933Asn)

Gene: DYNC1H1 (dynein cytoplasmic 1 heavy chain 1; plus strand). Cytogenetic location: 14q32.31.
Variant type: single nucleotide variant.
Coding change: c.5797G>A on transcript NM_001376.5 (MANE Select); coding-DNA position 5797, G replaced by A.
Protein change: p.Asp1933Asn; replaces aspartic acid 1933 with asparagine.
Molecular consequence: missense variant.
Genome position (GRCh38, 1-based): chr14:102,007,088, G>A. VCF-style: chr14-102007088-G-A. GRCh37 (hg19) VCF-style: chr14-102473425-G-A.
Other names: short protein forms D1933N.
Identifiers: ClinVar variation 2867279 (VCV002867279.3), dbSNP rs2503743942, ClinGen allele CA391049974.